The following is an entry in ClinVar:

NM_020822.3(KCNT1):c.1328T>C (p.Met443Thr)

Gene: KCNT1 (potassium sodium-activated channel subfamily T member 1; plus strand). Cytogenetic location: 9q34.3.
Variant type: single nucleotide variant.
Coding change: c.1328T>C on transcript NM_020822.3 (MANE Select); coding-DNA position 1328, T replaced by C.
Protein change: p.Met443Thr; replaces methionine 443 with threonine.
Molecular consequence: missense variant.
Genome position (GRCh38, 1-based): chr9:135,765,751, T>C. VCF-style: chr9-135765751-T-C. GRCh37 (hg19) VCF-style: chr9-138657597-T-C.
Other names: c.1193T>C, p.Met398Thr (NM_001272003.2); c.1328T>C (NM_020822.2); short protein forms M443T, M398T.
Identifiers: ClinVar variation 1423830 (VCV001423830.7), dbSNP rs763557773, ClinGen allele CA5326846.

ClinVar aggregate classification (germline): Conflicting classifications of pathogenicity. Review status: criteria provided, conflicting classifications (1 of 4 stars). 2 submissions from 2 submitters: Uncertain significance (1); Likely benign (1). Last evaluated 2025-08-28.

Conditions:
Inborn genetic diseases. Identifiers: MedGen C0950123, MeSH D030342.
Developmental and epileptic encephalopathy, 14 (DEE14). Also called: Early infantile epileptic encephalopathy 14. Identifiers: Orphanet 293181, MedGen C3554195, MONDO:0013989, OMIM 614959.
Autosomal dominant nocturnal frontal lobe epilepsy 5. Also called: KCNT1-Related Epilepsy; CILIARY DYSKINESIA, PRIMARY, 28, WITH SITUS INVERSUS; Epilepsy, nocturnal frontal lobe, 5; CILIARY DYSKINESIA, PRIMARY, 28, WITHOUT SITUS INVERSUS. Identifiers: Orphanet 98784, MedGen C3554306, MONDO:0014002, OMIM 615005.

Allele frequency attached by ClinVar (database versions not stated): TOPMed below 0.00001; gnomAD exomes 0.00001 and 0.00002; ExAC 0.00003.
gnomAD v4.1: 13 of 1,572,746 alleles (0.00083%); highest among the groups gnomAD compares: South Asian, 0.011%; no homozygotes.

Submissions (2):

Ambry Genetics
Classification: Likely benign for Inborn genetic diseases. Last evaluated: 2025-08-28. Review status: criteria provided, single submitter. Criteria: Ambry Variant Classification Scheme 2023. Collection method: clinical testing. Allele origin: germline.

Labcorp Genetics (formerly Invitae), Labcorp
Classification: Uncertain significance for Autosomal dominant nocturnal frontal lobe epilepsy 5; Developmental and epileptic encephalopathy, 14. Last evaluated: 2022-09-16. Review status: criteria provided, single submitter. Criteria: Invitae Variant Classification Sherloc (09022015). Collection method: clinical testing. Allele origin: germline.
Comment: This variant is present in population databases (rs763557773, gnomAD 0.02%). In summary, the available evidence is currently insufficient to determine the role of this variant in disease. Therefore, it has been classified as a Variant of Uncertain Significance. Advanced modeling of protein sequence and biophysical properties (such as structural, functional, and spatial information, amino acid conservation, physicochemical variation, residue mobility, and thermodynamic stability) performed at Invitae indicates that this missense variant is not expected to disrupt KCNT1 protein function. ClinVar contains an entry for this variant (Variation ID: 1423830). This variant has not been reported in the literature in individuals affected with KCNT1-related conditions. This sequence change replaces methionine, which is neutral and non-polar, with threonine, which is neutral and polar, at codon 443 of the KCNT1 protein (p.Met443Thr).